The following is an entry in ClinVar:

ClinVar aggregate classification (germline): Uncertain significance (1 of 4 stars; one submission).

Conditions:
Hypogonadotropic hypogonadism 2 with or without anosmia (HH2). Also called: FGFR1-Related GnRH Deficiency (Kallmann Syndrome 2); HYPOGONADOTROPIC HYPOGONADISM 2 WITH OR WITHOUT ANOSMIA, SUSCEPTIBILITY TO; HYPOGONADOTROPIC HYPOGONADISM 2 WITHOUT ANOSMIA, SUSCEPTIBILITY TO; HYPOGONADOTROPIC HYPOGONADISM 2 WITHOUT ANOSMIA. Identifiers: Orphanet 478, MedGen C1563720, MONDO:0007844, OMIM 147950. Disease mechanism: loss of function.
Pfeiffer syndrome (ACS5). Also called: ACS V. Identifiers: Orphanet 710, MedGen C0220658, MONDO:0007043, OMIM 101600.

Allele frequency attached by ClinVar (database versions not stated): ExAC 0.00001; gnomAD 0.00001; gnomAD exomes 0.00001.
gnomAD v4.1: 12 of 1,613,194 alleles (0.00074%); highest among the groups gnomAD compares: African/African-American, 0.0013%; no homozygotes.

Submission:

Labcorp Genetics (formerly Invitae), Labcorp
Classification: Uncertain significance for Pfeiffer syndrome; Hypogonadotropic hypogonadism 2 with or without anosmia. Last evaluated: 2025-05-27. Review status: criteria provided, single submitter. Criteria: Invitae Variant Classification Sherloc (09022015). Collection method: clinical testing. Allele origin: germline.
Comment: This sequence change replaces arginine, which is basic and polar, with cysteine, which is neutral and slightly polar, at codon 80 of the FGFR1 protein (p.Arg80Cys). The frequency data for this variant in the population databases is considered unreliable, as metrics indicate poor data quality at this position in the gnomAD database. This missense change has been observed in individual(s) with clinical features of FGFR1-related conditions (PMID: 34759222, 38227553). ClinVar contains an entry for this variant (Variation ID: 1721137). Invitae Evidence Modeling of protein sequence and biophysical properties (such as structural, functional, and spatial information, amino acid conservation, physicochemical variation, residue mobility, and thermodynamic stability) has been performed for this missense variant. However, the output from this modeling did not meet the statistical confidence thresholds required to predict the impact of this variant on FGFR1 protein function. In summary, the available evidence is currently insufficient to determine the role of this variant in disease. Therefore, it has been classified as a Variant of Uncertain Significance.

Literature cited by the submitters: PubMed 34759222; PubMed 38227553.

NM_023110.3(FGFR1):c.238C>T (p.Arg80Cys)

Gene: FGFR1 (fibroblast growth factor receptor 1; minus strand). Cytogenetic location: 8p11.23.
Variant type: single nucleotide variant.
Coding change: c.238C>T on transcript NM_023110.3 (MANE Select); coding-DNA position 238, C replaced by T.
Protein change: p.Arg80Cys; replaces arginine 80 with cysteine.
Molecular consequence: missense variant. On other transcripts: intron variant (5).
Genome position (GRCh38, 1-based): chr8:38,429,802, G>A on the plus strand (C>T on the coding strand, the complement: FGFR1 is on the minus strand). VCF-style: chr8-38429802-G-A. GRCh37 (hg19) VCF-style: chr8-38287320-G-A.
Other names: c.238C>T, p.Arg80Cys (NM_000604.2, NM_001174063.2, NM_001174065.2 and 4 more transcripts); c.214C>T, p.Arg72Cys (NM_001174064.2); c.337C>T, p.Arg113Cys (NM_001174067.2); c.92-1367C>T (NM_001354368.2, NM_001354370.2, NM_023106.3 and 2 more transcripts); short protein forms R113C, R72C, R80C.
Identifiers: ClinVar variation 1721137 (VCV001721137.5), dbSNP rs751494167, ClinGen allele CA4718844.